The following is an entry in ClinVar:

NM_001167.4(XIAP):c.445A>G (p.Ile149Val)

Gene: XIAP (X-linked inhibitor of apoptosis; plus strand). Cytogenetic location: Xq25.
Variant type: single nucleotide variant.
Coding change: c.445A>G on transcript NM_001167.4 (MANE Select); coding-DNA position 445, A replaced by G.
Protein change: p.Ile149Val; replaces isoleucine 149 with valine.
Molecular consequence: missense variant.
Genome position (GRCh38, 1-based): chrX:123,886,107, A>G. VCF-style: chrX-123886107-A-G. GRCh37 (hg19) VCF-style: chrX-123019957-A-G.
Other names: c.445A>G, p.Ile149Val (NM_001204401.2, NM_001378590.1, NM_001378591.1 and 1 more transcripts); short protein forms I149V.
Identifiers: ClinVar variation 2755365 (VCV002755365.4), dbSNP rs765378700, ClinGen allele CA10508023.

ClinVar aggregate classification (germline): Uncertain significance. Review status: criteria provided, multiple submitters, no conflicts (2 of 4 stars). 2 submissions from 2 submitters: Uncertain significance (2). Last evaluated 2024-12-03.

Conditions:
Inborn genetic diseases. Identifiers: MedGen C0950123, MeSH D030342.
X-linked lymphoproliferative disease due to XIAP deficiency. Also called: XIAP-Related Lymphoproliferative Disease, X-Linked; XIAP DEFICIENCY. Identifiers: Orphanet 2442, Orphanet 538934, MedGen C1845076, MONDO:0010385, OMIM 300635.

gnomAD v4.1: 1 of 1,211,809 alleles (0.000083%); highest among the groups gnomAD compares: South Asian, 0.0018%; no homozygotes.

Submissions (2):

Ambry Genetics
Classification: Uncertain significance for Inborn genetic diseases. Last evaluated: 2024-12-03. Review status: criteria provided, single submitter. Criteria: Ambry Variant Classification Scheme 2023. Collection method: clinical testing. Allele origin: germline.

Labcorp Genetics (formerly Invitae), Labcorp
Classification: Uncertain significance for X-linked lymphoproliferative disease due to XIAP deficiency. Last evaluated: 2023-08-27. Review status: criteria provided, single submitter. Criteria: Invitae Variant Classification Sherloc (09022015). Collection method: clinical testing. Allele origin: germline.
Comment: In summary, the available evidence is currently insufficient to determine the role of this variant in disease. Therefore, it has been classified as a Variant of Uncertain Significance. Advanced modeling of protein sequence and biophysical properties (such as structural, functional, and spatial information, amino acid conservation, physicochemical variation, residue mobility, and thermodynamic stability) performed at Invitae indicates that this missense variant is not expected to disrupt XIAP protein function. This variant has not been reported in the literature in individuals affected with XIAP-related conditions. This sequence change replaces isoleucine, which is neutral and non-polar, with valine, which is neutral and non-polar, at codon 149 of the XIAP protein (p.Ile149Val). This variant is present in population databases (rs765378700, gnomAD 0.005%), including at least one homozygous and/or hemizygous individual.